The following is an entry in ClinVar:

NM_000092.5(COL4A4):c.3999_4002del (p.Gln1333fs)

Gene: COL4A4 (collagen type IV alpha 4 chain; minus strand). Cytogenetic location: 2q36.3.
Variant type: Deletion.
Coding change: c.3999_4002del on transcript NM_000092.5 (MANE Select); coding-DNA positions 3999 to 4002, 4 bases deleted (GGGA; older notation c.3999_4002delGGGA).
Protein change: p.Gln1333fs; shifts the reading frame from glutamine 1333.
Molecular consequence: frameshift variant.
Genome position (GRCh38, 1-based): chr2:227,027,981-227,027,984, TCCC deleted on the plus strand (GGGA on the coding strand, the reverse complement: COL4A4 is on the minus strand); deleting any 4 consecutive bases within chr2:227,027,981-227,027,985 gives the same sequence; the c. name uses the placement nearest the transcript's 3' end. VCF-style (leftmost placement, unchanged base first): chr2-227027980-GTCCC-G. GRCh37 (hg19) VCF-style: chr2-227892696-GTCCC-G.
Other names: short protein forms Q1333fs.
Identifiers: ClinVar variation 4812816 (VCV004812816.2).

ClinVar aggregate classification (germline): Pathogenic/Likely pathogenic. Review status: criteria provided, multiple submitters, no conflicts (2 of 4 stars). 2 submissions from 2 submitters: Pathogenic (1); Likely pathogenic (1). Last evaluated 2026-02-02.

Conditions:
Hematuria, benign familial, 1 (BFH1). Also called: THIN MEMBRANE NEPHROPATHY. Identifiers: MedGen CN376803, MONDO:0007709, OMIM 141200.
Alport syndrome. Also called: Hemorrhagic familial nephritis; Hemorrhagic hereditary nephritis; Congenital hereditary hematuria. Identifiers: Orphanet 63, MedGen C1567741, MONDO:0018965.

Submissions (2):

Institute of Human Genetics, Cologne University
Classification: Likely pathogenic for Hematuria, benign familial, 1. Last evaluated: 2026-02-02. Review status: criteria provided, single submitter. Criteria: ACMG Guidelines, 2015. Collection method: clinical testing. Allele origin: unknown. Affected: yes.

Myriad Genetics, Inc.
Classification: Pathogenic for Alport syndrome. Last evaluated: 2025-12-26. Review status: criteria provided, single submitter. Criteria: Myriad Autosomal Dominant, Autosomal Recessive and X-Linked Classification Criteria (2023). Collection method: clinical testing. Allele origin: unknown.
Comment: NM_000092.4(COL4A4):c.3999_4002delGGGA(Q1333Hfs*54) is a frameshift variant classified as pathogenic in the context of Alport syndrome, COL4A4-related. Q1333Hfs*54 has not been observed in cases with relevant disease. Relevant functional assessments of this variant are not available in the literature. Q1333Hfs*54 has not been observed in referenced population frequency databases. In summary, NM_000092.4(COL4A4):c.3999_4002delGGGA(Q1333Hfs*54) is a frameshift variant in a gene where loss of function is a known mechanism of disease and is predicted to disrupt protein function. Please note: this variant was assessed in the context of healthy population screening.